The following is an entry in ClinVar:

NM_004055.5(CAPN5):c.385G>A (p.Gly129Arg)

Gene: CAPN5 (calpain 5; plus strand). Cytogenetic location: 11q13.5.
Variant type: single nucleotide variant.
Coding change: c.385G>A on transcript NM_004055.5 (MANE Select); coding-DNA position 385, G replaced by A.
Protein change: p.Gly129Arg; replaces glycine 129 with arginine.
Molecular consequence: missense variant.
Genome position (GRCh38, 1-based): chr11:77,112,676, G>A. VCF-style: chr11-77112676-G-A. GRCh37 (hg19) VCF-style: chr11-76823722-G-A.
Other names: c.385G>A (NM_004055.4); short protein forms G129R.
Identifiers: ClinVar variation 1046255 (VCV001046255.11), dbSNP rs375949463, ClinGen allele CA6196425.

ClinVar aggregate classification (germline): Uncertain significance. Review status: criteria provided, multiple submitters, no conflicts (2 of 4 stars). 2 submissions from 2 submitters: Uncertain significance (2). Last evaluated 2024-04-04.

Conditions:
Inborn genetic diseases. Identifiers: MedGen C0950123, MeSH D030342.

Allele frequency attached by ClinVar (database versions not stated): gnomAD exomes 0.00001; TOPMed 0.00001; ExAC 0.00002; gnomAD 0.00003; ESP Exome Variant Server 0.00008.

Submissions (3):

Ambry Genetics
Classification: Uncertain significance for Inborn genetic diseases. Last evaluated: 2024-04-04. Review status: criteria provided, single submitter. Criteria: Ambry Variant Classification Scheme 2023. Collection method: clinical testing. Allele origin: germline.

Labcorp Genetics (formerly Invitae), Labcorp
Classification: Uncertain significance. Last evaluated: 2024-01-31. Review status: criteria provided, single submitter. Criteria: Invitae Variant Classification Sherloc (09022015). Collection method: clinical testing. Allele origin: germline.
Comment: This sequence change replaces glycine, which is neutral and non-polar, with arginine, which is basic and polar, at codon 129 of the CAPN5 protein (p.Gly129Arg). This variant is present in population databases (rs375949463, gnomAD 0.007%). This variant has not been reported in the literature in individuals affected with CAPN5-related conditions. ClinVar contains an entry for this variant (Variation ID: 1046255). Advanced modeling of protein sequence and biophysical properties (such as structural, functional, and spatial information, amino acid conservation, physicochemical variation, residue mobility, and thermodynamic stability) performed at Invitae indicates that this missense variant is expected to disrupt CAPN5 protein function with a positive predictive value of 80%. In summary, the available evidence is currently insufficient to determine the role of this variant in disease. Therefore, it has been classified as a Variant of Uncertain Significance.

Dr. Peter K. Rogan Lab, Western University
No classification provided (evidence only). Condition: Familial cancer of breast. Review status: no classification provided. Collection method: in vitro. Allele origin: not applicable. Functional consequence: retained intron. Not counted in ClinVar's aggregate classification.